The following is an entry in ClinVar:

NC_000002.11:g.(?_204820339)_(204824322_?)del

Gene: ICOS (inducible T cell costimulator; plus strand). Cytogenetic location: 2q33.2.
Variant type: Deletion.
Identifiers: ClinVar variation 1401042 (VCV001401042.5).

ClinVar aggregate classification (germline): Uncertain significance (1 of 4 stars; one submission).

Conditions:
Immunodeficiency, common variable, 1. Also called: ANTIBODY DEFICIENCY DUE TO ICOS DEFECT. Identifiers: Orphanet 1572, Orphanet 695183, MedGen C3149378, MONDO:0011864, OMIM 607594.

Submission:

Labcorp Genetics (formerly Invitae), Labcorp
Classification: Uncertain significance for Immunodeficiency, common variable, 1. Last evaluated: 2022-09-27. Review status: criteria provided, single submitter. Criteria: Invitae Variant Classification Sherloc (09022015). Collection method: clinical testing. Allele origin: germline.
Comment: In summary, the available evidence is currently insufficient to determine the role of this variant in disease. Therefore, it has been classified as a Variant of Uncertain Significance. Experimental studies and prediction algorithms are not available or were not evaluated, and the functional significance of this variant is currently unknown. This variant has not been reported in the literature in individuals affected with ICOS-related conditions. This variant is a gross deletion of the genomic region encompassing exon(s) 2-5 of the ICOS gene, which includes the termination codon. This deletion extends beyond the assayed region for this gene and therefore may encompass additional genes. While this deletion is not anticipated to lead to nonsense mediated decay, it is expected to alter mRNA translation or result in a truncated protein product.